The following is an entry in ClinVar:

NM_004655.4(AXIN2):c.716T>G (p.Phe239Cys)

Gene: AXIN2 (axin 2; minus strand). Cytogenetic location: 17q24.1.
Variant type: single nucleotide variant.
Coding change: c.716T>G on transcript NM_004655.4 (MANE Select); coding-DNA position 716, T replaced by G.
Protein change: p.Phe239Cys; replaces phenylalanine 239 with cysteine.
Molecular consequence: missense variant.
Genome position (GRCh38, 1-based): chr17:65,557,905, A>C on the plus strand (T>G on the coding strand, the complement: AXIN2 is on the minus strand). VCF-style: chr17-65557905-A-C. GRCh37 (hg19) VCF-style: chr17-63554023-A-C.
Other names: c.716T>G (LRG_296t1); c.716T>G, p.Phe239Cys (NM_001363813.1); short protein forms F239C.
Identifiers: ClinVar variation 646198 (VCV000646198.8), dbSNP rs1598119093, ClinGen allele CA400680417.

ClinVar aggregate classification (germline): Uncertain significance (1 of 4 stars; one submission).

Conditions:
Oligodontia-cancer predisposition syndrome. Also called: TOOTH AGENESIS-COLORECTAL CANCER SYNDROME. Identifiers: Orphanet 300576, MedGen C1837750, MONDO:0012075, OMIM 608615. Disease mechanism: loss of function.

Allele frequency attached by ClinVar (database versions not stated): gnomAD exomes below 0.00001.
gnomAD v4.1: 1 of 1,614,158 alleles (0.000062%); highest among the groups gnomAD compares: Non-Finnish European, 0.000085%; no homozygotes.

Submission:

Labcorp Genetics (formerly Invitae), Labcorp
Classification: Uncertain significance for Oligodontia-cancer predisposition syndrome. Last evaluated: 2022-06-12. Review status: criteria provided, single submitter. Criteria: Invitae Variant Classification Sherloc (09022015). Collection method: clinical testing. Allele origin: germline.
Comment: In summary, the available evidence is currently insufficient to determine the role of this variant in disease. Therefore, it has been classified as a Variant of Uncertain Significance. Algorithms developed to predict the effect of missense changes on protein structure and function (SIFT, PolyPhen-2, Align-GVGD) all suggest that this variant is likely to be disruptive. ClinVar contains an entry for this variant (Variation ID: 646198). This variant has not been reported in the literature in individuals affected with AXIN2-related conditions. This variant is not present in population databases (gnomAD no frequency). This sequence change replaces phenylalanine, which is neutral and non-polar, with cysteine, which is neutral and slightly polar, at codon 239 of the AXIN2 protein (p.Phe239Cys).